The following is an entry in ClinVar:

ClinVar aggregate classification (germline): Conflicting classifications of pathogenicity. Review status: criteria provided, conflicting classifications (1 of 4 stars). 27 submissions from 27 submitters: Uncertain significance (20); Likely benign (5). 2 of the submissions do not count toward it. Last evaluated 2026-06-05.

Conditions:
Malignant tumor of breast. Also called: Malignant breast neoplasm; Cancer breast. Identifiers: MedGen C0006142, MONDO:0007254. Disease mechanism: loss of function.
Ataxia-telangiectasia syndrome (AT). Also called: LOUIS-BAR SYNDROME; ATAXIA-TELANGIECTASIA, COMPLEMENTATION GROUP A; ATAXIA-TELANGIECTASIA, FRESNO VARIANT; Ataxia-telangiectasia; Ataxia telangiectasia (A-T); Ataxia-telangiectasia, complementation group D. Identifiers: Orphanet 100, MedGen C0004135, MONDO:0008840, OMIM 208900.
Familial colorectal cancer type X. Identifiers: Orphanet 440437, MedGen C3896578, MONDO:0018604.
ATM-related cancer predisposition. Also called: ATM-related cancer susceptibility. Identifiers: MedGen CN377759, MONDO:0700270.
ATM-related disorder. Also called: ATM-related disorders; ATM-related condition.
Familial cancer of breast. Also called: hereditary breast carcinoma; BREAST CANCER, FAMILIAL; Hereditary breast cancer. Identifiers: Orphanet 227535, MedGen C0346153, MONDO:0016419, OMIM 114480. Disease mechanism: loss of function.
Breast and/or ovarian cancer. Identifiers: MedGen CN221562.
Hereditary cancer-predisposing syndrome. Also called: Hereditary neoplastic syndrome; Neoplastic Syndromes, Hereditary; Tumor predisposition; Hereditary Cancer Syndrome. Identifiers: Orphanet 140162, MedGen C0027672, MeSH D009386, MONDO:0015356.

Allele frequency attached by ClinVar (database versions not stated): gnomAD 0.00006 and 0.00007; gnomAD exomes 0.00008 and 0.00011; TOPMed 0.00011; 1000 Genomes Project 30x 0.00016; 1000 Genomes Project 0.00020; ESP Exome Variant Server 0.00023.
gnomAD v4.1: 129 of 1,613,552 alleles (0.008%); highest among the groups gnomAD compares: Admixed American, 0.022%; no homozygotes.

Submissions 1 to 14 of 27:

Women's Health and Genetics/Laboratory Corporation of America, LabCorp
Classification: Likely benign. Last evaluated: 2026-06-05. Review status: criteria provided, single submitter. Criteria: LabCorp Variant Classification Summary - May 2015. Collection method: clinical testing. Allele origin: germline.
Comment: Variant summary: ATM c.610G>A (p.Gly204Arg) results in a non-conservative amino acid change in the encoded protein sequence. Algorithms developed to predict the effect of missense changes on protein structure and function are either unavailable or do not agree on the potential impact of this missense change. The variant allele was found at a frequency of 8e-05 in 1613552 control chromosomes, predominantly at a frequency of 0.00022 within the Latino subpopulation in the gnomAD v4 database. The observed variant frequency within Latino control individuals in the gnomAD database exceeds the estimated maximal expected allele frequency for disease-causing variants in ATM. c.610G>A has been reported in the literature in individuals affected with breast and/or ovarian cancer, prostate cancer, chronic lymphocytic leukemia and rhabdosarcoma in settings of multigene panel testing and in unaffected control cohorts (example, Tung 2015, Decker 2017, Singh 2018, Nadeu 2016, Tiao 2017, Zhang 2015, Bonache_2018, Girard_2019, Karlsson_2021). At-least one co-occurrence with another pathogenic variant has been reported in an individual undergoing multigene panel testing for breast cancer (BRCA1 c.5172dupA, p.Glu1725Argfs*7, Tung_2015), providing supporting evidence for a benign role. A recent study that included this variant reports that carriers of loss of function variants in the ATM gene have a significantly higher risk of developing breast cancer than carriers of an ATM missense variant (OR for LOF =17.4; OR for missense = 1.6) (Girard_2019). The following publications have been ascertained in the context of this evaluation (PMID: 20305132, 30306255, 28779002, 33471991, 34204722, 30303537, 29522266, 33436325, 27720647, 26837699, 29470806, 28652578, 25186627, 26580448, 37762649, 36685941). ClinVar contains an entry for this variant (Variation ID: 127419). Based on the evidence outlined above, the variant was classified as likely benign.

PreventionGenetics, part of Exact Sciences
Classification: Likely benign for ATM-related condition. Last evaluated: 2026-05-20. Review status: criteria provided, single submitter. Criteria: ACMG Guidelines, 2015. Collection method: clinical testing. Allele origin: germline.
Comment: This variant is classified as likely benign based on ACMG/AMP sequence variant interpretation guidelines (Richards et al. 2015 PMID: 25741868, with internal and published modifications).

Labcorp Genetics (formerly Invitae), Labcorp
Classification: Likely benign for Ataxia-telangiectasia syndrome. Last evaluated: 2026-01-20. Review status: criteria provided, single submitter. Criteria: Invitae Variant Classification Sherloc (09022015). Collection method: clinical testing. Allele origin: germline.

Center for Genomic Medicine, Rigshospitalet, Copenhagen University Hospital
Classification: Uncertain significance. Last evaluated: 2025-12-29. Review status: criteria provided, single submitter. Criteria: ACMG Guidelines, 2015. Collection method: clinical testing. Allele origin: germline.

GeneDx
Classification: Uncertain significance. Last evaluated: 2025-07-09. Review status: criteria provided, single submitter. Criteria: GeneDx Variant Classification Process June 2021. Collection method: clinical testing. Allele origin: germline. Affected: yes.
Comment: In silico analysis supports that this missense variant has a deleterious effect on protein structure/function; This variant is associated with the following publications: (PMID: 28779002, 24356096, 27720647, 26580448, 26837699, 28873162, 29470806, 29522266, 25186627, 20305132, 33436325, 34204722, 30303537, 30306255, 28652578, 33471991, 31206626, 34250389, 36685941, 35451682, 34326862, Zurera2025[CaseReport], 37762649)

Quest Diagnostics Nichols Institute San Juan Capistrano
Classification: Uncertain significance. Last evaluated: 2025-05-21. Review status: criteria provided, single submitter. Criteria: Quest Diagnostics criteria. Collection method: clinical testing. Allele origin: unknown.

Hema, HEMA – Genetic and Molecular Diagnostic Laboratory
Classification: Uncertain significance for ATM-related cancer predisposition. Last evaluated: 2025-05-02. Review status: criteria provided, single submitter. Criteria: HEMA Variant Classification Assertion Criteria. Collection method: clinical testing. Allele origin: germline.
Comment: It is a transition from guanine to adenine, which results in the substitution of glycine 204 of the ATM protein with arginine. BP4: The score of the computational metapredictor REVEL = 0.109 ≤ 0.249, indicating that the variant would not have an effect on the ATM protein.

Color Diagnostics, LLC DBA Color Health
Classification: Uncertain significance for Hereditary cancer-predisposing syndrome. Last evaluated: 2025-04-01. Review status: criteria provided, single submitter. Criteria: ACMG Guidelines, 2015. Collection method: clinical testing. Allele origin: germline.
Comment: This missense variant replaces glycine with arginine at codon 204 of the ATM protein. Computational prediction suggests that this variant may not impact protein structure and function. To our knowledge, functional studies have not been performed for this variant. This variant has been observed in individuals affected with breast and/or ovarian cancer (PMID: 20305132, 25186627, 28779002, 29470806, 29522266, 34204722), chronic lymphocytic leukemia (PMID: 26837699, 28652578), and in unaffected controls (PMID: 28652578). In a large international case-control meta-analysis, this variant was reported in 9/60457 breast cancer cases and 8/53453 controls (OR=0.995, 95%CI 0.384 to 2.578, p-value=1; PMID: 33471991). This variant has also been identified in 29/282440 chromosomes in the general population by the Genome Aggregation Database (gnomAD). The available evidence is insufficient to determine the role of this variant in disease conclusively. Therefore, this variant is classified as a Variant of Uncertain Significance.

Catlab - Consorci Sanitari de Terrassa
Classification: Uncertain significance for Hereditary cancer-predisposing syndrome. Last evaluated: 2025-01-14. Review status: criteria provided, single submitter. Criteria: ClinGen HBOP ACMG Specifications ATM Version1_3. Collection method: clinical testing. Allele origin: germline.
Comment: Based on the currently available information, this variant is classified as Variant of Uncertain Significance according to ClinGen-ATM v1.3.0 guidelines. ACMG criteria: BP4.

Ambry Genetics
Classification: Likely benign for Hereditary cancer-predisposing syndrome. Last evaluated: 2024-07-10. Review status: criteria provided, single submitter. Criteria: Ambry Variant Classification Scheme 2023. Collection method: clinical testing. Allele origin: germline.

Molecular Pathology, Peter Maccallum Cancer Centre
Classification: Uncertain significance for Ataxia-telangiectasia syndrome. Last evaluated: 2024-06-11. Review status: criteria provided, single submitter. Criteria: ACMG Guidelines, 2015. Collection method: clinical testing. Allele origin: germline. Inheritance: Autosomal recessive inheritance.

Baylor Genetics
Classification: Uncertain significance for Familial cancer of breast. Last evaluated: 2024-03-09. Review status: criteria provided, single submitter. Criteria: ACMG Guidelines, 2015. Collection method: clinical testing. Allele origin: unknown.

Hereditary Cancer Laboratory, Hospital Universitario 12 de Octubre
Classification: Uncertain significance for Hereditary cancer-predisposing syndrome. Last evaluated: 2024-02-29. Review status: criteria provided, single submitter. Criteria: ACMG Guidelines, 2015. Collection method: clinical testing. Allele origin: germline.
Comment: BP4

Mayo Clinic Laboratories, Mayo Clinic
Classification: Uncertain significance. Last evaluated: 2023-08-18. Review status: criteria provided, single submitter. Criteria: ACMG Guidelines, 2015. Collection method: clinical testing. Allele origin: germline. Observed: 4 variant alleles.
Comment: the same text as in the submission from Hereditary Cancer Laboratory, Hospital Universitario 12 de Octubre above.

NM_000051.4(ATM):c.610G>A (p.Gly204Arg)

Gene: ATM (ATM serine/threonine kinase; plus strand). Cytogenetic location: 11q22.3.
Variant type: single nucleotide variant.
Coding change: c.610G>A on transcript NM_000051.4 (MANE Select); coding-DNA position 610, G replaced by A.
Protein change: p.Gly204Arg; replaces glycine 204 with arginine.
Molecular consequence: missense variant.
Genome position (GRCh38, 1-based): chr11:108,244,066, G>A. VCF-style: chr11-108244066-G-A. GRCh37 (hg19) VCF-style: chr11-108114793-G-A.
Other names: p.G204R:GGA>AGA; c.610G>A, p.Gly204Arg (NM_001351834.2); short protein forms G204R.
Identifiers: ClinVar variation 127419 (VCV000127419.107), dbSNP rs147915571, ClinGen allele CA286922.
Genomic context (GRCh38, chr11:108,244,066, plus strand): 5'-AGAGTTTTAGTGGCTAGAATAATTCATGCTGTTACCAAAGGATGCTGTTCTCAGACTGAC[G>A]GATTAAATTCCAAATTTTTGGACTTTTTTTCCAAGGCTATTCAGTGTGCGAGGTAATCTA-3'
Protein context (NP_000042.3, residues 194-214): VTKGCCSQTD[Gly204Arg]LNSKFLDFFS